The following is an entry in ClinVar:

NM_001184.4(ATR):c.5470A>C (p.Lys1824Gln)

Gene: ATR (ATR checkpoint kinase; minus strand). Cytogenetic location: 3q23.
Variant type: single nucleotide variant.
Coding change: c.5470A>C on transcript NM_001184.4 (MANE Select); coding-DNA position 5470, A replaced by C.
Protein change: p.Lys1824Gln; replaces lysine 1824 with glutamine.
Molecular consequence: missense variant.
Genome position (GRCh38, 1-based): chr3:142,498,685, T>G on the plus strand (A>C on the coding strand, the complement: ATR is on the minus strand). VCF-style: chr3-142498685-T-G. GRCh37 (hg19) VCF-style: chr3-142217527-T-G.
Other names: c.5278A>C, p.Lys1760Gln (NM_001354579.2); short protein forms K1824Q, K1760Q.
Identifiers: ClinVar variation 1747747 (VCV001747747.2), dbSNP rs913478121, ClinGen allele CA84762231.

ClinVar aggregate classification (germline): Uncertain significance (1 of 4 stars; one submission).

Conditions:
Inborn genetic diseases. Identifiers: MedGen C0950123, MeSH D030342.

Allele frequency attached by ClinVar (database versions not stated): TOPMed below 0.00001; gnomAD 0.00001.
gnomAD v4.1: 1 of 1,613,812 alleles (0.000062%); highest among the groups gnomAD compares: Non-Finnish European, 0.000085%; no homozygotes.

Submission:

Ambry Genetics
Classification: Uncertain significance for Inborn genetic diseases. Last evaluated: 2021-09-26. Review status: criteria provided, single submitter. Criteria: Ambry Variant Classification Scheme 2023. Collection method: clinical testing. Allele origin: germline.
Comment: The p.K1824Q variant (also known as c.5470A>C), located in coding exon 32 of the ATR gene, results from an A to C substitution at nucleotide position 5470. The lysine at codon 1824 is replaced by glutamine, an amino acid with similar properties. This amino acid position is conserved. In addition, the in silico prediction for this alteration is inconclusive. Since supporting evidence is limited at this time, the clinical significance of this alteration remains unclear.